The following is an entry in ClinVar:

ClinVar aggregate classification (germline): Uncertain significance (1 of 4 stars; one submission).

Conditions:
Weaver syndrome (WVS). Also called: Weaver Smith syndrome; Overgrowth syndrome with accelerated skeletal maturation, unusual facies, and camptodactyly. Identifiers: Orphanet 3447, MedGen C0265210, MONDO:0010193, OMIM 277590.

Submission:

Labcorp Genetics (formerly Invitae), Labcorp
Classification: Uncertain significance for Weaver syndrome. Last evaluated: 2022-11-01. Review status: criteria provided, single submitter. Criteria: Invitae Variant Classification Sherloc (09022015). Collection method: clinical testing. Allele origin: germline.
Comment: In summary, the available evidence is currently insufficient to determine the role of this variant in disease. Therefore, it has been classified as a Variant of Uncertain Significance. Advanced modeling of protein sequence and biophysical properties (such as structural, functional, and spatial information, amino acid conservation, physicochemical variation, residue mobility, and thermodynamic stability) performed at Invitae indicates that this missense variant is not expected to disrupt EZH2 protein function. ClinVar contains an entry for this variant (Variation ID: 1012109). This variant has not been reported in the literature in individuals affected with EZH2-related conditions. This variant is not present in population databases (gnomAD no frequency). This sequence change replaces isoleucine, which is neutral and non-polar, with methionine, which is neutral and non-polar, at codon 511 of the EZH2 protein (p.Ile511Met).

NM_004456.5(EZH2):c.1533A>G (p.Ile511Met)

Gene: EZH2 (enhancer of zeste 2 polycomb repressive complex 2 subunit; minus strand). Cytogenetic location: 7q36.1.
Variant type: single nucleotide variant.
Coding change: c.1533A>G on transcript NM_004456.5 (MANE Select); coding-DNA position 1533, A replaced by G.
Protein change: p.Ile511Met; replaces isoleucine 511 with methionine.
Molecular consequence: missense variant.
Genome position (GRCh38, 1-based): chr7:148,815,519, T>C on the plus strand (A>G on the coding strand, the complement: EZH2 is on the minus strand). VCF-style: chr7-148815519-T-C. GRCh37 (hg19) VCF-style: chr7-148512611-T-C.
Other names: c.1518A>G, p.Ile506Met (NM_001203247.2); c.1491A>G, p.Ile497Met (NM_001203248.2, NM_001203249.2); c.1401A>G, p.Ile467Met (NM_152998.3); short protein forms I467M, I497M, I506M, I511M.
Identifiers: ClinVar variation 1012109 (VCV001012109.9), dbSNP rs1804313910, ClinGen allele CA369714017.